The following is an entry in ClinVar:

ClinVar aggregate classification (germline): Likely benign (0 of 4 stars; one submission).

Conditions:
CDC5L-related disorder. Also called: CDC5L-related condition.

Allele frequency attached by ClinVar (database versions not stated): gnomAD 0.00001; ExAC 0.00002; gnomAD exomes 0.00002; TOPMed 0.00002.
gnomAD v4.1: 35 of 1,607,590 alleles (0.0022%); highest among the groups gnomAD compares: Admixed American, 0.0034%; no homozygotes.

Submission:

PreventionGenetics, part of Exact Sciences
Classification: Likely benign for CDC5L-related condition. Last evaluated: 2019-11-26. Review status: no assertion criteria provided. Collection method: clinical testing. Allele origin: germline.
Comment: This variant is classified as likely benign based on ACMG/AMP sequence variant interpretation guidelines (Richards et al. 2015 PMID: 25741868, with internal and published modifications).

NM_001253.4(CDC5L):c.526T>C (p.Leu176=)

Gene: CDC5L (cell division cycle 5 like; plus strand). Cytogenetic location: 6p21.1.
Variant type: single nucleotide variant.
Coding change: c.526T>C on transcript NM_001253.4 (MANE Select); coding-DNA position 526, T replaced by C.
Protein change: p.Leu176=; no amino-acid change (leucine 176 retained).
Molecular consequence: synonymous variant.
Genome position (GRCh38, 1-based): chr6:44,396,427, T>C. VCF-style: chr6-44396427-T-C. GRCh37 (hg19) VCF-style: chr6-44364164-T-C.
Identifiers: ClinVar variation 3048165 (VCV003048165.2), dbSNP rs373544801, ClinGen allele CA3835235.